The following is an entry in ClinVar:

ClinVar aggregate classification (germline): Likely benign. Review status: criteria provided, multiple submitters, no conflicts (2 of 4 stars). 3 submissions from 3 submitters: Likely benign (2). 1 of the submissions does not count toward it. Last evaluated 2024-12-16.

Conditions:
ETV6-related disorder. Also called: ETV6-related condition.
Inborn genetic diseases. Identifiers: MedGen C0950123, MeSH D030342.

gnomAD v4.1: 70 of 1,614,064 alleles (0.0043%); highest among the groups gnomAD compares: African/African-American, 0.0093%; no homozygotes.

Submissions (3):

Ambry Genetics
Classification: Likely benign for Inborn genetic diseases. Last evaluated: 2024-12-16. Review status: criteria provided, single submitter. Criteria: Ambry Variant Classification Scheme 2023. Collection method: clinical testing. Allele origin: germline.

Labcorp Genetics (formerly Invitae), Labcorp
Classification: Likely benign. Last evaluated: 2024-11-20. Review status: criteria provided, single submitter. Criteria: Invitae Variant Classification Sherloc (09022015). Collection method: clinical testing. Allele origin: germline.

PreventionGenetics, part of Exact Sciences
Classification: Likely benign for ETV6-related condition. Last evaluated: 2022-06-09. Review status: no assertion criteria provided. Collection method: clinical testing. Allele origin: germline. Not counted in ClinVar's aggregate classification.
Comment: This variant is classified as likely benign based on ACMG/AMP sequence variant interpretation guidelines (Richards et al. 2015 PMID: 25741868, with internal and published modifications).

NM_001987.5(ETV6):c.612C>G (p.Pro204=)

Gene: ETV6 (ETS variant transcription factor 6; plus strand). Cytogenetic location: 12p13.2.
Variant type: single nucleotide variant.
Coding change: c.612C>G on transcript NM_001987.5 (MANE Select); coding-DNA position 612, C replaced by G.
Protein change: p.Pro204=; no amino-acid change (proline 204 retained).
Molecular consequence: synonymous variant.
Genome position (GRCh38, 1-based): chr12:11,869,572, C>G. VCF-style: chr12-11869572-C-G. GRCh37 (hg19) VCF-style: chr12-12022506-C-G.
Other names: c.609C>G, p.Pro203= (NM_001413913.1); c.585C>G, p.Pro195= (NM_001413914.1); c.348C>G, p.Pro116= (NM_001413915.1); c.612C>G, p.Pro204= (NM_001413916.1, NM_001413917.1).
Identifiers: ClinVar variation 3031072 (VCV003031072.5), dbSNP rs770038030, ClinGen allele CA6454302.